The following is an entry in ClinVar:

ClinVar aggregate classification (germline): Uncertain significance (1 of 4 stars; one submission).

Conditions:
Pitt-Hopkins-like syndrome 2 (PTHSL2). Identifiers: Orphanet 221150, Orphanet 600663, MedGen C3280479, MONDO:0013690, OMIM 614325.

Allele frequency attached by ClinVar (database versions not stated): gnomAD exomes below 0.00001.
gnomAD v4.1: 1 of 1,603,106 alleles (0.000062%); highest among the groups gnomAD compares: Non-Finnish European, 0.000085%; no homozygotes.

Submission:

Labcorp Genetics (formerly Invitae), Labcorp
Classification: Uncertain significance for Pitt-Hopkins-like syndrome 2. Last evaluated: 2020-09-16. Review status: criteria provided, single submitter. Criteria: Invitae Variant Classification Sherloc (09022015). Collection method: clinical testing. Allele origin: germline.
Comment: This variant is not present in population databases (ExAC no frequency). In summary, the available evidence is currently insufficient to determine the role of this variant in disease. Therefore, it has been classified as a Variant of Uncertain Significance. Algorithms developed to predict the effect of missense changes on protein structure and function are either unavailable or do not agree on the potential impact of this missense change (SIFT: "Deleterious"; PolyPhen-2: "Benign"; Align-GVGD: "Class C0"). This variant has not been reported in the literature in individuals with NRXN1-related conditions. This sequence change replaces serine with phenylalanine at codon 235 of the NRXN1 protein (p.Ser235Phe). The serine residue is highly conserved and there is a large physicochemical difference between serine and phenylalanine.

NM_001330078.2(NRXN1):c.704C>T (p.Ser235Phe)

Gene: NRXN1 (neurexin 1; minus strand). Cytogenetic location: 2p16.3.
Variant type: single nucleotide variant.
Coding change: c.704C>T on transcript NM_001330078.2 (MANE Select); coding-DNA position 704, C replaced by T.
Protein change: p.Ser235Phe; replaces serine 235 with phenylalanine.
Molecular consequence: missense variant.
Genome position (GRCh38, 1-based): chr2:51,027,570, G>A on the plus strand (C>T on the coding strand, the complement: NRXN1 is on the minus strand). VCF-style: chr2-51027570-G-A. GRCh37 (hg19) VCF-style: chr2-51254708-G-A.
Other names: c.704C>T, p.Ser235Phe (NM_001135659.3, NM_001330077.2, NM_001330079.2 and 15 more transcripts); short protein forms S235F.
Identifiers: ClinVar variation 1005938 (VCV001005938.8), dbSNP rs1670727655, ClinGen allele CA346823457.
Genomic context (GRCh38, chr2:51,027,570, plus strand): 5'-CAGTCCTTGCCGCGGAAGCCGGTTCGCGAGCAGTCGCACACGGCCTGGTCGTCCACCACG[G>A]AGCACACACCTCCGTTGAGGCACACCCCGCCCTCGCCCTCCTCGCCCGCCTCGCACGGGC-3'
Protein context (NP_001317007.1, residues 225-245): GGVCLNGGVC[Ser235Phe]VVDDQAVCDC